The following is an entry in ClinVar:

NM_000093.5(COL5A1):c.4939C>G (p.Pro1647Ala)

Genes: COL5A1 (collagen type V alpha 1 chain; plus strand), LOC101448202 (uncharacterized LOC101448202; minus strand). Cytogenetic location: 9q34.3.
Variant type: single nucleotide variant.
Coding change: c.4939C>G on transcript NM_000093.5 (MANE Select); coding-DNA position 4939, C replaced by G.
Protein change: p.Pro1647Ala; replaces proline 1647 with alanine.
Molecular consequence: missense variant.
Genome position (GRCh38, 1-based): chr9:134,824,840, C>G. VCF-style: chr9-134824840-C-G. GRCh37 (hg19) VCF-style: chr9-137716686-C-G.
Other names: c.4939C>G, p.Pro1647Ala (NM_001278074.1); short protein forms P1647A.
Identifiers: ClinVar variation 3347886 (VCV003347886.1).

ClinVar aggregate classification (germline): Uncertain significance (0 of 4 stars; one submission).

Conditions:
COL5A1-related disorder. Also called: COL5A1-related condition.

Submission:

PreventionGenetics, part of Exact Sciences
Classification: Uncertain significance for COL5A1-related condition. Last evaluated: 2024-07-17. Review status: no assertion criteria provided. Collection method: clinical testing. Allele origin: germline.
Comment: The COL5A1 c.4939C>G variant is predicted to result in the amino acid substitution p.Pro1647Ala. To our knowledge, this variant has not been reported in the literature or in a large population database, indicating this variant is rare. At this time, the clinical significance of this variant is uncertain due to the absence of conclusive functional and genetic evidence.